The following is an entry in ClinVar:

ClinVar aggregate classification (germline): Uncertain significance (1 of 4 stars; one submission).

Submission:

Labcorp Genetics (formerly Invitae), Labcorp
Classification: Uncertain significance. Last evaluated: 2022-06-20. Review status: criteria provided, single submitter. Criteria: Invitae Variant Classification Sherloc (09022015). Collection method: clinical testing. Allele origin: germline.
Comment: This sequence change replaces aspartic acid, which is acidic and polar, with glutamic acid, which is acidic and polar, at codon 174 of the DNASE1L3 protein (p.Asp174Glu). This variant is present in population databases (rs146622951, gnomAD 0.007%), including at least one homozygous and/or hemizygous individual. This variant has not been reported in the literature in individuals affected with DNASE1L3-related conditions. Algorithms developed to predict the effect of missense changes on protein structure and function output the following: SIFT: "Deleterious"; PolyPhen-2: "Benign"; Align-GVGD: "Class C35". The glutamic acid amino acid residue is found in multiple mammalian species, which suggests that this missense change does not adversely affect protein function. In summary, the available evidence is currently insufficient to determine the role of this variant in disease. Therefore, it has been classified as a Variant of Uncertain Significance.

NM_004944.4(DNASE1L3):c.522C>G (p.Asp174Glu)

Gene: DNASE1L3 (deoxyribonuclease 1L3; minus strand). Cytogenetic location: 3p14.3.
Variant type: single nucleotide variant.
Coding change: c.522C>G on transcript NM_004944.4 (MANE Select); coding-DNA position 522, C replaced by G.
Protein change: p.Asp174Glu; replaces aspartic acid 174 with glutamic acid.
Molecular consequence: missense variant.
Genome position (GRCh38, 1-based): chr3:58,201,021, G>C on the plus strand (C>G on the coding strand, the complement: DNASE1L3 is on the minus strand). VCF-style: chr3-58201021-G-C. GRCh37 (hg19) VCF-style: chr3-58186748-G-C.
Other names: c.432C>G, p.Asp144Glu (NM_001256560.2); short protein forms D174E, D144E.
Identifiers: ClinVar variation 2008759 (VCV002008759.4), dbSNP rs146622951, ClinGen allele CA2469955.